The following is an entry in ClinVar:

NM_003502.4(AXIN1):c.*49G>A

Gene: AXIN1 (axin 1; minus strand). Cytogenetic location: 16p13.3.
Variant type: single nucleotide variant.
Coding change: c.*49G>A on transcript NM_003502.4 (MANE Select); 49 bases downstream of the stop codon, G replaced by A.
Molecular consequence: 3 prime UTR variant. On other transcripts: non-coding transcript variant (1).
Genome position (GRCh38, 1-based): chr16:288,073, C>T on the plus strand (G>A on the coding strand, the complement: AXIN1 is on the minus strand). VCF-style: chr16-288073-C-T. GRCh37 (hg19) VCF-style: chr16-338073-C-T.
Other names: c.*49G>A (NM_181050.3).
Identifiers: ClinVar variation 4980732 (VCV004980732.1).
Genomic context (GRCh38, chr16:288,073, plus strand): 5'-ACCCAACACTGTTCCCCATCGGGCTCCTGAGTACGAGGTCATCTGCCTGGCCGTGACACC[C>T]GTGCCCGCCAAGGGCCTCGCCTGGCACAGCGGCCAGCCCACCAGCCTATCAGTCCACCTT-3'

ClinVar aggregate classification (germline): Benign (1 of 4 stars; one submission).

Conditions:
AXIN1-related disorder. Also called: AXIN1-related condition.

gnomAD v4.1: 2,837 of 1,611,982 alleles (0.18%); highest among the groups gnomAD compares: African/African-American, 3.1%; 41 homozygotes.

Submission:

PreventionGenetics, part of Exact Sciences
Classification: Benign for AXIN1-related condition. Last evaluated: 2025-06-13. Review status: criteria provided, single submitter. Criteria: ACMG Guidelines, 2015. Collection method: clinical testing. Allele origin: germline.
Comment: This variant is classified as benign based on ACMG/AMP sequence variant interpretation guidelines (Richards et al. 2015 PMID: 25741868, with internal and published modifications).